The following is an entry in ClinVar:

NM_000178.4(GSS):c.22C>T (p.Leu8Phe)

Gene: GSS (glutathione synthetase; minus strand). Cytogenetic location: 20q11.22.
Variant type: single nucleotide variant.
Coding change: c.22C>T on transcript NM_000178.4 (MANE Select); coding-DNA position 22, C replaced by T.
Protein change: p.Leu8Phe; replaces leucine 8 with phenylalanine.
Molecular consequence: missense variant.
Genome position (GRCh38, 1-based): chr20:34,951,831, G>A on the plus strand (C>T on the coding strand, the complement: GSS is on the minus strand). VCF-style: chr20-34951831-G-A. GRCh37 (hg19) VCF-style: chr20-33539634-G-A.
Other names: c.22C>T, p.Leu8Phe (NM_001322494.1, NM_001322495.1); short protein forms L8F.
Identifiers: ClinVar variation 1057967 (VCV001057967.6), dbSNP rs1255925879, ClinGen allele CA408706872.
Genomic context (GRCh38, chr20:34,951,831, plus strand): 5'-CCAGGGCCCGGTCCACGGCCTGCCGTGCCAGCTCCTCTAGCTGCTGTTTATCCTGCAAGA[G>A]GCTCCCCCAGTTGGTGGCCATCCCAACACCTGCAAAAGATGGAGAGAAGAGAGTTGGTAA-3'
Protein context (NP_000169.1, residues 1-18): MATNWGS[Leu8Phe]LQDKQQLEEL

ClinVar aggregate classification (germline): Uncertain significance (1 of 4 stars; one submission).

Conditions:
Inherited glutathione synthetase deficiency. Identifiers: Orphanet 32, MedGen C5979912, MONDO:0017909.

Allele frequency attached by ClinVar (database versions not stated): gnomAD exomes 0.00001; TOPMed below 0.00001.
gnomAD v4.1: 16 of 1,614,188 alleles (0.00099%); highest among the groups gnomAD compares: Admixed American, 0.0067%; no homozygotes.

Submission:

Labcorp Genetics (formerly Invitae), Labcorp
Classification: Uncertain significance for Glutathione synthetase deficiency with 5-oxoprolinuria. Last evaluated: 2021-08-31. Review status: criteria provided, single submitter. Criteria: Invitae Variant Classification Sherloc (09022015). Collection method: clinical testing. Allele origin: germline.
Comment: This sequence change replaces leucine with phenylalanine at codon 8 of the GSS protein (p.Leu8Phe). The leucine residue is weakly conserved and there is a small physicochemical difference between leucine and phenylalanine. This variant is not present in population databases (ExAC no frequency). This variant has not been reported in the literature in individuals affected with GSS-related conditions. Algorithms developed to predict the effect of missense changes on protein structure and function output the following: SIFT: "Tolerated"; PolyPhen-2: "Benign"; Align-GVGD: "Class C0". The phenylalanine amino acid residue is found in multiple mammalian species, which suggests that this missense change does not adversely affect protein function. In summary, the available evidence is currently insufficient to determine the role of this variant in disease. Therefore, it has been classified as a Variant of Uncertain Significance.